The following is an entry in ClinVar:

ClinVar aggregate classification (germline): Likely pathogenic (1 of 4 stars; one submission).

Submission:

CeGaT Center for Human Genetics Tuebingen
Classification: Likely pathogenic. Last evaluated: 2023-10-01. Review status: criteria provided, single submitter. Criteria: CeGaT Center For Human Genetics Tuebingen Variant Classification Criteria Version 2. Collection method: clinical testing. Allele origin: germline. Affected: yes. Observed: 1 variant allele.
Comment: ASH1L: PVS1:Strong, PM2

NM_018489.3(ASH1L):c.2683_2684del (p.Arg895fs)

Gene: ASH1L (ASH1 like histone lysine methyltransferase; minus strand). Cytogenetic location: 1q22.
Variant type: Microsatellite.
Coding change: c.2683_2684del on transcript NM_018489.3 (MANE Select); coding-DNA positions 2683 to 2684, 2 bases deleted (AG; older notation c.2683_2684delAG).
Protein change: p.Arg895fs; shifts the reading frame from arginine 895.
Molecular consequence: frameshift variant.
Genome position (GRCh38, 1-based): chr1:155,480,186-155,480,187, CT deleted on the plus strand (AG on the coding strand, the reverse complement: ASH1L is on the minus strand); deleting any 2 consecutive bases within chr1:155,480,186-155,480,189 gives the same sequence; the c. name uses the placement nearest the transcript's 3' end. VCF-style (leftmost placement, unchanged base first): chr1-155480185-CCT-C. GRCh37 (hg19) VCF-style: chr1-155449976-CCT-C.
Other names: c.2683_2684del, p.Arg895fs (NM_001366177.2); short protein forms R895fs.
Identifiers: ClinVar variation 2639421 (VCV002639421.24), dbSNP rs2527176109, ClinGen allele CA2695199893.